The following is an entry in ClinVar:

NM_001205293.3(CACNA1E):c.1808_1812delinsGAGAA (p.Ile603_Ile604delinsArgGlu)

Gene: CACNA1E (calcium voltage-gated channel subunit alpha1 E; plus strand). Cytogenetic location: 1q25.3.
Variant type: Indel.
Coding change: c.1808_1812delinsGAGAA on transcript NM_001205293.3 (MANE Select); coding-DNA positions 1808 to 1812, TCATC replaced by GAGAA.
Protein change: p.Ile603_Ile604delinsArgGlu.
Molecular consequence: missense variant.
Genome position (GRCh38, 1-based): chr1:181,720,262-181,720,266, TCATC replaced by GAGAA. VCF-style: chr1-181720262-TCATC-GAGAA. GRCh37 (hg19) VCF-style: chr1-181689398-TCATC-GAGAA.
Other names: c.1808_1812delinsGAGAA, p.Ile603_Ile604delinsArgGlu (NM_000721.4, NM_001205294.2).
Identifiers: ClinVar variation 2758877 (VCV002758877.3), dbSNP rs2528547442, ClinGen allele CA2697554699.
Genomic context (GRCh38, chr1:181,720,262, plus strand): 5'-GTAGGTATTGGGCTTCCCTACGGAATTTGGTGGTCTCCTTGATGAGCTCAATGAAGTCTA[TCATC>GAGAA]AGTTTGCTTTTCCTCCTCTTCCTCTTCATCGTTGTCTTTGCTCTCCTAGGAATGCAGTTA-3'

ClinVar aggregate classification (germline): Likely pathogenic (1 of 4 stars; one submission).

Submission:

Labcorp Genetics (formerly Invitae), Labcorp
Classification: Likely pathogenic. Last evaluated: 2024-04-05. Review status: criteria provided, single submitter. Criteria: Invitae Variant Classification Sherloc (09022015). Collection method: clinical testing. Allele origin: germline.
Comment: This variant, c.1808_1812delinsGAGAA, is a complex sequence change that results in the deletion of 2 and insertion of 2 amino acid(s) in the CACNA1E protein (p.Ile603_Ile604delinsArgGlu). Information on the frequency of this variant in the gnomAD database is not available, as this variant may be reported differently in the database. This variant has been observed in individual(s) with CACNA1E-related conditions (Invitae). In at least one individual the variant was observed to be de novo. Experimental studies and prediction algorithms are not available or were not evaluated, and the functional significance of this variant is currently unknown. This variant disrupts the p.Ile603 amino acid residue in CACNA1E. Other variant(s) that disrupt this residue have been determined to be pathogenic (PMID: 30343943). This suggests that this residue is clinically significant, and that variants that disrupt this residue are likely to be disease-causing. In summary, the currently available evidence indicates that the variant is pathogenic, but additional data are needed to prove that conclusively. Therefore, this variant has been classified as Likely Pathogenic.

Literature cited by the submitters: PubMed 30343943.